The following is an entry in ClinVar:

ClinVar aggregate classification (germline): Conflicting classifications of pathogenicity. Review status: criteria provided, conflicting classifications (1 of 4 stars). 18 submissions from 18 submitters: Uncertain significance (1); Benign (6); Likely benign (6). 5 of the submissions do not count toward it. Last evaluated 2026-09-01.

Conditions:
CACNA1C-related disorder. Also called: CACNA1C-related condition; CACNA1C-related disorders. Identifiers: MedGen CN381092, MONDO:0700321.
Cardiovascular phenotype. Identifiers: MedGen CN230736.
Long QT syndrome (LQTS). Identifiers: MedGen C0023976, MeSH D008133, MONDO:0002442. Disease mechanism: loss of function. Inheritance: Various modes of inheritance.

Allele frequency attached by ClinVar (database versions not stated): gnomAD 0.00140 and 0.00193; 1000 Genomes Project 30x 0.00312; 1000 Genomes Project 0.00319; ESP Exome Variant Server 0.00165; ExAC 0.00359; TOPMed 0.00153; gnomAD exomes 0.00228 and 0.00345.
gnomAD v4.1: 3,715 of 1,613,954 alleles (0.23%); highest among the groups gnomAD compares: South Asian, 1.6%; 39 homozygotes.

Submissions (21):

CeGaT Center for Human Genetics Tuebingen
Classification: Benign. Last evaluated: 2026-09-01. Review status: criteria provided, single submitter. Criteria: CeGaT Center For Human Genetics Tuebingen Variant Classification Criteria Version 2. Collection method: clinical testing. Allele origin: germline. Affected: yes. Observed: 19 variant alleles.
Comment: CACNA1C: PM5, BP4, BS1, BS2

Labcorp Genetics (formerly Invitae), Labcorp
Classification: Benign for Long QT syndrome. Last evaluated: 2026-02-04. Review status: criteria provided, single submitter. Criteria: Invitae Variant Classification Sherloc (09022015). Collection method: clinical testing. Allele origin: germline.

Molecular Diagnostic Laboratory for Inherited Cardiovascular Disease, Montreal Heart Institute
Classification: Likely benign. Last evaluated: 2025-04-09. Review status: criteria provided, single submitter. Criteria: ACMG Guidelines, 2015. Collection method: clinical testing. Allele origin: germline. Affected: no.

ARUP Laboratories, Molecular Genetics and Genomics, ARUP Laboratories
Classification: Likely benign. Last evaluated: 2025-03-28. Review status: criteria provided, single submitter. Criteria: ARUP Molecular Germline Variant Investigation Process 2024. Collection method: clinical testing. Allele origin: germline.

Blueprint Genetics
Classification: Likely benign. Last evaluated: 2024-11-12. Review status: criteria provided, single submitter. Criteria: ACMG Guidelines, 2015. Collection method: clinical testing. Allele origin: germline.

Mayo Clinic Laboratories, Mayo Clinic
Classification: Benign. Last evaluated: 2024-04-25. Review status: criteria provided, single submitter. Criteria: ACMG Guidelines, 2015. Collection method: clinical testing. Allele origin: germline. Observed: 4 variant alleles.
Comment: BS1, BS2, BP4

GeneDx
Classification: Benign. Last evaluated: 2016-10-10. Review status: criteria provided, single submitter. Criteria: GeneDx Variant Classification (06012015). Collection method: clinical testing. Allele origin: germline. Affected: yes.
Comment: This variant is considered likely benign or benign based on one or more of the following criteria: it is a conservative change, it occurs at a poorly conserved position in the protein, it is predicted to be benign by multiple in silico algorithms, and/or has population frequency not consistent with disease.

Ambry Genetics
Classification: Benign for Cardiovascular phenotype. Last evaluated: 2016-06-27. Review status: criteria provided, single submitter. Criteria: Ambry Variant Classification Scheme 2023. Collection method: clinical testing. Allele origin: germline.

Eurofins Ntd Llc (ga)
Classification: Benign. Last evaluated: 2016-06-21. Review status: criteria provided, single submitter. Criteria: EGL Classification Definitions 2015. Collection method: clinical testing. Allele origin: germline. Observed: 2 variant alleles, 2 heterozygotes.

Women's Health and Genetics/Laboratory Corporation of America, LabCorp
Classification: Likely benign. Last evaluated: 2016-01-25. Review status: criteria provided, single submitter. Criteria: LabCorp Variant Classification Summary - May 2015. Collection method: clinical testing. Allele origin: germline.
Comment: Variant summary: CACNA1C c.5918G>A affects a conserved nucleotide, resulting in amino acid change from Arg to Gln. 3/4 in-silico tools predict this variant to be benign. This variant is found in 433/121010 control chromosomes including the large and broad populations from ExAC at a frequency of 0.0035782, which is about 358 times greater than the maximal expected frequency of a pathogenic allele (0.00001) in this gene, suggesting this variant is benign. Five homozygotes were reported in ExAC. This variant has been reported in multiple LQTS and BrS patients without strong evidence for causality (eg. co-segregation studies). Clinical diagnostic labs have classified this variant as a VUS or likely benign before the large and diverse ExAC control cohorts were available. Taken together, this variant was classified as likely benign.

Stanford Center for Inherited Cardiovascular Disease, Stanford University
Classification: Uncertain significance. Last evaluated: 2014-12-02. Review status: criteria provided, single submitter. Criteria: ACMG Guidelines, 2015. Collection method: provider interpretation. Allele origin: germline.

Biesecker Lab/Clinical Genomics Section, National Institutes of Health
Classification: Likely benign. Last evaluated: 2013-06-24. Review status: criteria provided, single submitter. Criteria: Ng et al. (Circ Cardiovasc Genet. 2013). Collection method: research. Allele origin: unknown. Observed: 3 variant alleles. Study: ClinSeq.
Comment: The study set was not selected for affection status in relation to any cancer. Pathogenicity categories were based on literature curation. See Pubmed ID:23861362 for details.

Medical sequencing

Breakthrough Genomics
Classification: Likely benign. Review status: criteria provided, single submitter. Criteria: ACMG Guidelines, 2015. Collection method: not provided. Allele origin: germline. Inheritance: Autosomal dominant inheritance. Affected: yes.

PreventionGenetics, part of Exact Sciences
Classification: Benign for CACNA1C-related condition. Last evaluated: 2019-09-17. Review status: no assertion criteria provided. Collection method: clinical testing. Allele origin: germline. Not counted in ClinVar's aggregate classification.
Comment: This variant is classified as benign based on ACMG/AMP sequence variant interpretation guidelines (Richards et al. 2015 PMID: 25741868, with internal and published modifications).

Clinical Genetics DNA and cytogenetics Diagnostics Lab, Erasmus MC, Erasmus Medical Center
Classification: Likely benign. Review status: no assertion criteria provided. Collection method: clinical testing. Allele origin: germline. Affected: yes. Study: VKGL Data-share Consensus. Not counted in ClinVar's aggregate classification.

Clinical Genetics, Academic Medical Center
Classification: Likely benign. Review status: no assertion criteria provided. Collection method: clinical testing. Allele origin: germline. Affected: yes. Study: VKGL Data-share Consensus. Not counted in ClinVar's aggregate classification.

Dr. Peter K. Rogan Lab, Western University
No classification provided (evidence only). Condition: Acute myeloid leukemia. Review status: no classification provided. Collection method: in vitro. Allele origin: not applicable. Functional consequence: retained intron. Not counted in ClinVar's aggregate classification.

Dr. Peter K. Rogan Lab, Western University
No classification provided (evidence only). Condition: Thyroid cancer, nonmedullary, 1. Review status: no classification provided. Collection method: in vitro. Allele origin: not applicable. Functional consequence: retained intron. Not counted in ClinVar's aggregate classification.

Dr. Peter K. Rogan Lab, Western University
No classification provided (evidence only). Condition: Uterine carcinosarcoma. Review status: no classification provided. Collection method: in vitro. Allele origin: not applicable. Functional consequence: retained intron. Not counted in ClinVar's aggregate classification.

Genome Diagnostics Laboratory, University Medical Center Utrecht
Classification: Likely benign. Review status: no assertion criteria provided. Collection method: clinical testing. Allele origin: germline. Affected: yes. Study: VKGL Data-share Consensus. Not counted in ClinVar's aggregate classification.

Joint Genome Diagnostic Labs from Nijmegen and Maastricht, Radboudumc and MUMC+
Classification: Likely benign. Review status: no assertion criteria provided. Collection method: clinical testing. Allele origin: germline. Affected: yes. Study: VKGL Data-share Consensus. Not counted in ClinVar's aggregate classification.

Literature cited by the submitters: PubMed 30279520 (cited by Mayo Clinic Laboratories, Mayo Clinic); PubMed 34999275 (cited by Mayo Clinic Laboratories, Mayo Clinic); PubMed 20817017 (cited by Ambry Genetics and Women's Health and Genetics/Laboratory Corporation of America, LabCorp); PubMed 22840528 (cited by Ambry Genetics and Women's Health and Genetics/Laboratory Corporation of America, LabCorp); PubMed 23861362 (cited by Ambry Genetics); PubMed 25447171 (cited by Ambry Genetics and Women's Health and Genetics/Laboratory Corporation of America, LabCorp); PubMed 25633834 (cited by Women's Health and Genetics/Laboratory Corporation of America, LabCorp); PubMed 20031608 (cited by Women's Health and Genetics/Laboratory Corporation of America, LabCorp).

NM_000719.7(CACNA1C):c.5918G>A (p.Arg1973Gln)

Genes: CACNA1C (calcium voltage-gated channel subunit alpha1 C; plus strand), CACNA1C-AS1 (CACNA1C antisense RNA 1; minus strand). Cytogenetic location: 12p13.33.
Variant type: single nucleotide variant.
Coding change: c.5918G>A on transcript NM_000719.7 (MANE Select); coding-DNA position 5918, G replaced by A.
Protein change: p.Arg1973Gln; replaces arginine 1973 with glutamine.
Molecular consequence: missense variant.
Genome position (GRCh38, 1-based): chr12:2,688,580, G>A. VCF-style: chr12-2688580-G-A. GRCh37 (hg19) VCF-style: chr12-2797746-G-A.
Other names: c.6062G>A, p.Arg2021Gln (NM_001129827.2); c.6041G>A, p.Arg2014Gln (NM_001129829.2); c.6023G>A, p.Arg2008Gln (NM_001129830.3, NM_001167624.3); c.6002G>A, p.Arg2001Gln (NM_001129831.2); c.5978G>A, p.Arg1993Gln (NM_001129832.2); c.5975G>A, p.Arg1992Gln (NM_001129833.2, NM_001129834.2, NM_001129835.2); c.5969G>A, p.Arg1990Gln (NM_001129836.2); c.5942G>A, p.Arg1981Gln (NM_001129837.2, NM_001129838.2); and 7 more; short protein forms R1973Q, R2008Q, R2021Q, R1962Q, R1970Q, R2014Q, R1993Q, R2033Q.
Identifiers: ClinVar variation 93419 (VCV000093419.55), dbSNP rs112414325, ClinGen allele CA221345.